The following is an entry in ClinVar:

NM_024426.6(WT1):c.619del (p.Leu207fs)

Genes: WT1 (WT1 transcription factor; minus strand), LOC107982234 (WT1/WT1-AS bi-directional promoter region; plus strand). Cytogenetic location: 11p13.
Variant type: Deletion.
Coding change: c.619del on transcript NM_024426.6 (MANE Select); coding-DNA position 619, one base deleted (C; older notation c.619delC).
Protein change: p.Leu207fs; shifts the reading frame from leucine 207.
Molecular consequence: frameshift variant. On other transcripts: non-coding transcript variant (2).
Genome position (GRCh38, 1-based): chr11:32,434,742, G deleted on the plus strand (C on the coding strand, the reverse complement: WT1 is on the minus strand); the first of 2 consecutive G bases (chr11:32,434,742-32,434,743); deleting either gives the same sequence. VCF-style (leftmost placement, unchanged base first): chr11-32434741-AG-A. GRCh37 (hg19) VCF-style: chr11-32456287-AG-A.
Other names: c.619del, p.Leu207fs (NM_000378.6, NM_001407044.1, NM_001407045.1 and 6 more transcripts); c.603delC, p.Leu202Cysfs (NM_024425.2); short protein forms L207fs.
Identifiers: ClinVar variation 2628421 (VCV002628421.1), dbSNP rs2494475674, ClinGen allele CA2695201113.

ClinVar aggregate classification (germline): Pathogenic (1 of 4 stars; one submission).

Conditions:
WT1-related disorder. Also called: WT1-related disorders. Identifiers: MedGen CN377814.

Submission:

PreventionGenetics, part of Exact Sciences
Classification: Pathogenic for WT1-related condition. Last evaluated: 2022-09-29. Review status: criteria provided, single submitter. Criteria: ACMG Guidelines, 2015. Collection method: clinical testing. Allele origin: germline.
Comment: The WT1 c.604delC variant is predicted to result in a frameshift and premature protein termination (p.Leu202Cysfs*84). To our knowledge, this variant has not been reported in the literature or in a large population database, indicating this variant is rare. Frameshift variants in WT1 are expected to be pathogenic. This variant is interpreted as pathogenic.